The following is an entry in ClinVar:

NM_001384732.1(CPLANE1):c.1371+76C>A

Gene: CPLANE1 (ciliogenesis and planar polarity effector complex subunit 1; minus strand). Cytogenetic location: 5p13.2.
Variant type: single nucleotide variant.
Coding change: c.1371+76C>A on transcript NM_001384732.1 (MANE Select); 76 bases into the intron after coding-DNA position 1371, C replaced by A.
Molecular consequence: intron variant.
Genome position (GRCh38, 1-based): chr5:37,227,492, G>T on the plus strand (C>A on the coding strand, the complement: CPLANE1 is on the minus strand). VCF-style: chr5-37227492-G-T. GRCh37 (hg19) VCF-style: chr5-37227594-G-T.
Other names: c.1371+76C>A (NM_023073.4).
Identifiers: ClinVar variation 4980969 (VCV004980969.1).
Genomic context (GRCh38, chr5:37,227,492, plus strand): 5'-TTATCTGTAATTCTATTATAAGCAATTAAAAATTCTATAGACAACTGTATACAATTCAAG[G>T]ACATTATTGTCAGTAAAGTTTTAAATTTGAAAAGAAAAAGGCAACTTTCCCCAATGATAT-3'

ClinVar aggregate classification (germline): Likely benign (1 of 4 stars; one submission).

Conditions:
CPLANE1-related disorder. Also called: CPLANE1-related condition.

gnomAD v4.1: 775 of 1,479,830 alleles (0.052%); highest among the groups gnomAD compares: South Asian, 1%; 8 homozygotes.

Submission:

PreventionGenetics, part of Exact Sciences
Classification: Likely benign for CPLANE1-related condition. Last evaluated: 2025-02-19. Review status: criteria provided, single submitter. Criteria: ACMG Guidelines, 2015. Collection method: clinical testing. Allele origin: germline.
Comment: This variant is classified as likely benign based on ACMG/AMP sequence variant interpretation guidelines (Richards et al. 2015 PMID: 25741868, with internal and published modifications).